The following is an entry in ClinVar:

ClinVar aggregate classification (germline): Conflicting classifications of pathogenicity. Review status: criteria provided, conflicting classifications (1 of 4 stars). 2 submissions from 2 submitters: Uncertain significance (1); Likely benign (1). Last evaluated 2026-07-10.

Conditions:
Congenital disorder of glycosylation type 1E (CDG1E). Also called: CONGENITAL DISORDER OF GLYCOSYLATION, TYPE Ie; CDG Ie. Identifiers: Orphanet 79322, MedGen C1837396, MONDO:0012123, OMIM 608799.
Inborn genetic diseases. Identifiers: MedGen C0950123, MeSH D030342.

Allele frequency attached by ClinVar (database versions not stated): gnomAD 0.00001 and 0.00003; TOPMed 0.00001; gnomAD exomes 0.00005 and 0.00010; ExAC 0.00011; 1000 Genomes Project 0.00020; 1000 Genomes Project 30x 0.00031.
gnomAD v4.1: 84 of 1,610,014 alleles (0.0052%); highest among the groups gnomAD compares: South Asian, 0.076%; no homozygotes.

Submissions (2):

Ambry Genetics
Classification: Likely benign for Inborn genetic diseases. Last evaluated: 2026-07-10. Review status: criteria provided, single submitter. Criteria: Ambry Variant Classification Scheme 2023. Collection method: clinical testing. Allele origin: germline.

Labcorp Genetics (formerly Invitae), Labcorp
Classification: Uncertain significance for Congenital disorder of glycosylation type 1E. Last evaluated: 2022-10-24. Review status: criteria provided, single submitter. Criteria: Invitae Variant Classification Sherloc (09022015). Collection method: clinical testing. Allele origin: germline.
Comment: This sequence change replaces isoleucine, which is neutral and non-polar, with methionine, which is neutral and non-polar, at codon 56 of the DPM1 protein (p.Ile56Met). In summary, the available evidence is currently insufficient to determine the role of this variant in disease. Therefore, it has been classified as a Variant of Uncertain Significance. Algorithms developed to predict the effect of missense changes on protein structure and function are either unavailable or do not agree on the potential impact of this missense change (SIFT: "Tolerated"; PolyPhen-2: "Possibly Damaging"; Align-GVGD: "Class C0"). ClinVar contains an entry for this variant (Variation ID: 642386). This variant has not been reported in the literature in individuals affected with DPM1-related conditions. This variant is present in population databases (rs562769511, gnomAD 0.07%).

NM_003859.3(DPM1):c.168C>G (p.Ile56Met)

Gene: DPM1 (dolichyl-phosphate mannosyltransferase subunit 1, catalytic; minus strand). Cytogenetic location: 20q13.13.
Variant type: single nucleotide variant.
Coding change: c.168C>G on transcript NM_003859.3 (MANE Select); coding-DNA position 168, C replaced by G.
Protein change: p.Ile56Met; replaces isoleucine 56 with methionine.
Molecular consequence: missense variant. On other transcripts: non-coding transcript variant (1).
Genome position (GRCh38, 1-based): chr20:50,955,279, G>C on the plus strand (C>G on the coding strand, the complement: DPM1 is on the minus strand). VCF-style: chr20-50955279-G-C. GRCh37 (hg19) VCF-style: chr20-49571816-G-C.
Other names: c.168C>G, p.Ile56Met (NM_001317034.1, NM_001317035.1, NM_001317036.1); short protein forms I56M.
Identifiers: ClinVar variation 642386 (VCV000642386.10), dbSNP rs562769511, ClinGen allele CA9909202.